The following is an entry in ClinVar:

NM_148960.3(CLDN19):c.257T>C (p.Val86Ala)

Gene: CLDN19 (claudin 19; minus strand). Cytogenetic location: 1p34.2.
Variant type: single nucleotide variant.
Coding change: c.257T>C on transcript NM_148960.3 (MANE Select); coding-DNA position 257, T replaced by C.
Protein change: p.Val86Ala; replaces valine 86 with alanine.
Molecular consequence: missense variant.
Genome position (GRCh38, 1-based): chr1:42,738,552, A>G on the plus strand (T>C on the coding strand, the complement: CLDN19 is on the minus strand). VCF-style: chr1-42738552-A-G. GRCh37 (hg19) VCF-style: chr1-43204223-A-G.
Other names: c.257T>C, p.Val86Ala (NM_001123395.2, NM_001185117.2); short protein forms V86A.
Identifiers: ClinVar variation 1039187 (VCV001039187.8), dbSNP rs1651447047, ClinGen allele CA339946523.

ClinVar aggregate classification (germline): Uncertain significance (1 of 4 stars; one submission).

Allele frequency attached by ClinVar (database versions not stated): TOPMed 0.00001.

Submission:

Labcorp Genetics (formerly Invitae), Labcorp
Classification: Uncertain significance. Last evaluated: 2020-08-08. Review status: criteria provided, single submitter. Criteria: Invitae Variant Classification Sherloc (09022015). Collection method: clinical testing. Allele origin: germline.
Comment: In summary, the available evidence is currently insufficient to determine the role of this variant in disease. Therefore, it has been classified as a Variant of Uncertain Significance. Algorithms developed to predict the effect of missense changes on protein structure and function are either unavailable or do not agree on the potential impact of this missense change (SIFT: "Deleterious"; PolyPhen-2: "Benign"; Align-GVGD: "Class C25"). This variant has not been reported in the literature in individuals with CLDN19-related conditions. This variant is not present in population databases (ExAC no frequency). This sequence change replaces valine with alanine at codon 86 of the CLDN19 protein (p.Val86Ala). The valine residue is highly conserved and there is a small physicochemical difference between valine and alanine.